The following is an entry in ClinVar:

NM_032856.5(WDR73):c.717_847del (p.Ser240fs)

Gene: WDR73 (WD repeat domain 73; minus strand). Cytogenetic location: 15q25.2.
Variant type: Deletion.
Coding change: c.717_847del on transcript NM_032856.5 (MANE Select); coding-DNA positions 717 to 847, 131 bases deleted.
Protein change: p.Ser240fs; shifts the reading frame from serine 240.
Molecular consequence: frameshift variant. On other transcripts: non-coding transcript variant (4).
Genome position (GRCh38, 1-based): chr15:84,645,507-84,645,637, 131 bases deleted. GRCh37 (hg19): chr15:85,188,738-85,188,868.
Other names: short protein forms S240fs.
Identifiers: ClinVar variation 4076325 (VCV004076325.1).

ClinVar aggregate classification (germline): Pathogenic (1 of 4 stars; one submission).

Conditions:
Galloway-Mowat syndrome 1 (GAMOS1). Identifiers: Orphanet 2065, Orphanet 83472, MedGen C4551772, MONDO:0033005, OMIM 251300.

Submission:

Laboratorio de Genetica e Diagnostico Molecular, Hospital Israelita Albert Einstein
Classification: Pathogenic for Galloway-Mowat syndrome 1. Last evaluated: 2023-06-02. Review status: criteria provided, single submitter. Criteria: ACMG Guidelines, 2015. Collection method: clinical testing. Allele origin: germline. Affected: yes.
Comment: ACMG classification criteria: PVS1 very strong, PM2 moderate